The following is an entry in ClinVar:

NM_024490.4(ATP10A):c.2325C>T (p.Leu775=)

Gene: ATP10A (ATPase phospholipid transporting 10A (putative); minus strand). Cytogenetic location: 15q12.
Variant type: single nucleotide variant.
Coding change: c.2325C>T on transcript NM_024490.4 (MANE Select); coding-DNA position 2325, C replaced by T.
Protein change: p.Leu775=; no amino-acid change (leucine 775 retained).
Molecular consequence: synonymous variant.
Genome position (GRCh38, 1-based): chr15:25,713,693, G>A on the plus strand (C>T on the coding strand, the complement: ATP10A is on the minus strand). VCF-style: chr15-25713693-G-A. GRCh37 (hg19) VCF-style: chr15-25958840-G-A.
Identifiers: ClinVar variation 5039185 (VCV005039185.1).

ClinVar aggregate classification (germline): Likely benign (1 of 4 stars; one submission).

gnomAD v4.1: 57 of 1,614,022 alleles (0.0035%); highest among the groups gnomAD compares: Admixed American, 0.093%; no homozygotes.

Submission:

CeGaT Center for Human Genetics Tuebingen
Classification: Likely benign. Last evaluated: 2026-08-01. Review status: criteria provided, single submitter. Criteria: CeGaT Center For Human Genetics Tuebingen Variant Classification Criteria Version 2. Collection method: clinical testing. Allele origin: germline. Affected: yes. Observed: 1 variant allele.
Comment: ATP10A: BP4, BP7